The following is an entry in ClinVar:

NM_018847.4(KLHL9):c.360C>T (p.Asp120=)

Gene: KLHL9 (kelch like family member 9; minus strand). Cytogenetic location: 9p21.3.
Variant type: single nucleotide variant.
Coding change: c.360C>T on transcript NM_018847.4 (MANE Select); coding-DNA position 360, C replaced by T.
Protein change: p.Asp120=; no amino-acid change (aspartic acid 120 retained).
Molecular consequence: synonymous variant.
Genome position (GRCh38, 1-based): chr9:21,334,500, G>A on the plus strand (C>T on the coding strand, the complement: KLHL9 is on the minus strand). VCF-style: chr9-21334500-G-A. GRCh37 (hg19) VCF-style: chr9-21334499-G-A.
Identifiers: ClinVar variation 3057781 (VCV003057781.2), dbSNP rs748993280, ClinGen allele CA5010663.

ClinVar aggregate classification (germline): Likely benign (0 of 4 stars; one submission).

Conditions:
KLHL9-related disorder. Also called: KLHL9-related condition.

Allele frequency attached by ClinVar (database versions not stated): gnomAD 0.00001; ExAC 0.00002; gnomAD exomes 0.00002.

Submission:

PreventionGenetics, part of Exact Sciences
Classification: Likely benign for KLHL9-related condition. Last evaluated: 2019-05-02. Review status: no assertion criteria provided. Collection method: clinical testing. Allele origin: germline.
Comment: This variant is classified as likely benign based on ACMG/AMP sequence variant interpretation guidelines (Richards et al. 2015 PMID: 25741868, with internal and published modifications).